The following is an entry in ClinVar:

ClinVar aggregate classification (germline): Uncertain significance. Review status: criteria provided, multiple submitters, no conflicts (2 of 4 stars). 2 submissions from 2 submitters: Uncertain significance (2). Last evaluated 2024-10-05.

Conditions:
Familial thoracic aortic aneurysm and aortic dissection (TAAD). Also called: Thoracic aortic aneurysms and dissections. Identifiers: Orphanet 91387, MedGen C4707243, MONDO:0019625.

gnomAD v4.1: 14 of 1,612,828 alleles (0.00087%); highest among the groups gnomAD compares: Middle Eastern, 0.016%; no homozygotes.

Submissions (2):

Ambry Genetics
Classification: Uncertain significance for Familial thoracic aortic aneurysm and aortic dissection. Last evaluated: 2024-10-05. Review status: criteria provided, single submitter. Criteria: Ambry Variant Classification Scheme 2023. Collection method: clinical testing. Allele origin: germline.
Comment: The p.R302Q variant (also known as c.905G>A), located in coding exon 13 of the COL5A2 gene, results from a G to A substitution at nucleotide position 905. The arginine at codon 302 is replaced by glutamine, an amino acid with highly similar properties. This amino acid position is highly conserved in available vertebrate species. In addition, the in silico prediction for this alteration is inconclusive. Based on the available evidence, the clinical significance of this variant remains unclear.

GeneDx
Classification: Uncertain significance. Last evaluated: 2016-12-30. Review status: criteria provided, single submitter. Criteria: GeneDx Variant Classification (06012015). Collection method: clinical testing. Allele origin: germline. Affected: yes.
Comment: A variant of uncertain significance has been identified in the COL5A2 gene. The R302Q variant has not been published as a pathogenic variant, nor has it been reported as a benign variant to our knowledge. This variant was not observed in approximately 6,500 individuals of European and African American ancestry in the NHLBI Exome Sequencing Project, indicating it is not a common benign variant in these populations. The R302Q variant is a semi-conservative amino acid substitution, which may impact secondary protein structure as these residues differ in some properties. Furthermore, this substitution occurs within a triple helical region of the COL5A2 gene at a position that is conserved across species, and in silico analysis predicts this variant is probably damaging to the protein structure/function. Nevertheless, R302Q does not affect a Glycine residue in a Gly-X-Y motif in the triple helical region of the COL5A2 gene, where the majority of pathogenic missense variants occur (Stenson et al., 2014; Symoens et al., 2012). However, in contrast to several other collagen genes, relatively few pathogenic Glycine substitutions have been reported in COL5A2 in association with Ehlers-Danlos syndrome. Most pathogenic variants in COL5A2 are in-frame splice site changes that cause exon skipping (Symoens et al., 2012).Therefore, based on the currently available information, it is unclear whether this variant is pathogenic or rare benign.

NM_000393.5(COL5A2):c.905G>A (p.Arg302Gln)

Gene: COL5A2 (collagen type V alpha 2 chain; minus strand). Cytogenetic location: 2q32.2.
Variant type: single nucleotide variant.
Coding change: c.905G>A on transcript NM_000393.5 (MANE Select); coding-DNA position 905, G replaced by A.
Protein change: p.Arg302Gln; replaces arginine 302 with glutamine.
Molecular consequence: missense variant.
Genome position (GRCh38, 1-based): chr2:189,080,991, C>T on the plus strand (G>A on the coding strand, the complement: COL5A2 is on the minus strand). VCF-style: chr2-189080991-C-T. GRCh37 (hg19) VCF-style: chr2-189945717-C-T.
Other names: short protein forms R302Q.
Identifiers: ClinVar variation 392240 (VCV000392240.3), dbSNP rs545574407, ClinGen allele CA2022915.